The following is an entry in ClinVar:

ClinVar aggregate classification (germline): Conflicting classifications of pathogenicity. Review status: criteria provided, conflicting classifications (1 of 4 stars). 3 submissions from 3 submitters: Uncertain significance (2); Likely benign (1). Last evaluated 2025-04-16.

Conditions:
Retinitis pigmentosa (RP). Identifiers: Orphanet 791, MedGen C0035334, MeSH D012174, MONDO:0019200, OMIM 268000. Inheritance: Autosomal dominant, autosomal recessive and X linked inheritance.

Allele frequency attached by ClinVar (database versions not stated): gnomAD exomes 0.00001 and 0.00003; gnomAD 0.00003 and 0.00004; TOPMed 0.00006; ESP Exome Variant Server 0.00008.
gnomAD v4.1: 47 of 1,555,594 alleles (0.003%); highest among the groups gnomAD compares: Admixed American, 0.016%; no homozygotes.

Submissions (3):

Labcorp Genetics (formerly Invitae), Labcorp
Classification: Uncertain significance. Last evaluated: 2025-04-16. Review status: criteria provided, single submitter. Criteria: Invitae Variant Classification Sherloc (09022015). Collection method: clinical testing. Allele origin: germline.
Comment: This sequence change replaces valine, which is neutral and non-polar, with isoleucine, which is neutral and non-polar, at codon 920 of the RIMS1 protein (p.Val920Ile). The frequency data for this variant in the population databases is considered unreliable, as metrics indicate poor data quality at this position in the gnomAD database. This missense change has been observed in individual(s) with inherited retinal disorder (PMID: 32483926). ClinVar contains an entry for this variant (Variation ID: 1213896). An algorithm developed to predict the effect of missense changes on protein structure and function (PolyPhen-2) suggests that this variant is likely to be disruptive. In summary, the available evidence is currently insufficient to determine the role of this variant in disease. Therefore, it has been classified as a Variant of Uncertain Significance.

Laboratory of Genetics, Children's Clinical University Hospital Latvia
Classification: Likely benign. Last evaluated: 2025-02-16. Review status: criteria provided, single submitter. Criteria: ACMG Guidelines, 2015. Collection method: clinical testing. Allele origin: germline. Affected: yes.

DBGen Ocular Genomics
Classification: Uncertain significance for Retinitis pigmentosa. Last evaluated: 2021-06-21. Review status: criteria provided, single submitter. Criteria: ACMG Guidelines, 2015. Collection method: clinical testing. Allele origin: germline. Affected: yes. Observed: 1 variant allele.

Literature cited by the submitters: PubMed 32483926 (cited by Labcorp Genetics (formerly Invitae), Labcorp).

NM_014989.7(RIMS1):c.2758G>A (p.Val920Ile)

Gene: RIMS1 (regulating synaptic membrane exocytosis 1; plus strand). Cytogenetic location: 6q13.
Variant type: single nucleotide variant.
Coding change: c.2758G>A on transcript NM_014989.7 (MANE Select); coding-DNA position 2758, G replaced by A.
Protein change: p.Val920Ile; replaces valine 920 with isoleucine.
Molecular consequence: missense variant.
Genome position (GRCh38, 1-based): chr6:72,252,820, G>A. VCF-style: chr6-72252820-G-A. GRCh37 (hg19) VCF-style: chr6-72962523-G-A.
Other names: c.1180G>A, p.Val394Ile (NM_001350432.2, NM_001350433.2, NM_001350434.2 and 37 more transcripts); c.1111G>A, p.Val371Ile (NM_001350437.2, NM_001350459.2, NM_001350450.2 and 6 more transcripts); c.937G>A, p.Val313Ile (NM_001350461.2, NM_001168409.2, NM_001350463.2 and 6 more transcripts); c.1135G>A, p.Val379Ile (NM_001350472.2, NM_001350473.2, NM_001350474.2 and 2 more transcripts); short protein forms V313I, V371I, V379I, V394I, V920I.
Identifiers: ClinVar variation 1213896 (VCV001213896.9), dbSNP rs376566413, ClinGen allele CA3886020.